The following is an entry in ClinVar:

ClinVar aggregate classification (germline): Benign/Likely benign. Review status: criteria provided, multiple submitters, no conflicts (2 of 4 stars). 6 submissions from 6 submitters: Benign (2); Likely benign (4). Last evaluated 2025-12-29.

Conditions:
Age related macular degeneration 1 (ARMD1). Also called: MACULOPATHY, AGE-RELATED, 1. Identifiers: MedGen C1864205, MONDO:0011285, OMIM 603075.

Allele frequency attached by ClinVar (database versions not stated): 1000 Genomes Project 30x 0.00078; 1000 Genomes Project 0.00100; gnomAD 0.00100 and 0.00115; TOPMed 0.00113; ESP Exome Variant Server 0.00161; ExAC 0.00215; gnomAD exomes 0.00220.
gnomAD v4.1: 2,915 of 1,612,780 alleles (0.18%); highest among the groups gnomAD compares: Middle Eastern, 0.89%; 13 homozygotes.

Submissions (6):

Labcorp Genetics (formerly Invitae), Labcorp
Classification: Benign. Last evaluated: 2025-12-29. Review status: criteria provided, single submitter. Criteria: Invitae Variant Classification Sherloc (09022015). Collection method: clinical testing. Allele origin: germline.

Blueprint Genetics
Classification: Likely benign. Last evaluated: 2024-11-22. Review status: criteria provided, single submitter. Criteria: ACMG Guidelines, 2015. Collection method: clinical testing. Allele origin: germline.

Genome-Nilou Lab
Classification: Benign for Age related macular degeneration 1. Last evaluated: 2023-04-11. Review status: criteria provided, single submitter. Criteria: ACMG Guidelines, 2015. Collection method: clinical testing. Allele origin: germline. Affected: no.

CeGaT Center for Human Genetics Tuebingen
Classification: Likely benign. Last evaluated: 2022-10-01. Review status: criteria provided, single submitter. Criteria: CeGaT Center For Human Genetics Tuebingen Variant Classification Criteria Version 2. Collection method: clinical testing. Allele origin: germline. Affected: yes. Observed: 1 variant allele.
Comment: HMCN1: BP4, BP7

Illumina Laboratory Services, Illumina
Classification: Likely benign for Age related macular degeneration 1. Last evaluated: 2018-01-13. Review status: criteria provided, single submitter. Criteria: ICSL Variant Classification Criteria 13 December 2019. Collection method: clinical testing. Allele origin: germline.
Comment: This variant was observed in the ICSL laboratory as part of a predisposition screen in an ostensibly healthy population. It had not been previously curated by ICSL or reported in the Human Gene Mutation Database (HGMD: prior to June 1st, 2018), and was therefore a candidate for classification through an automated scoring system. Utilizing variant allele frequency, disease prevalence and penetrance estimates, and inheritance mode, an automated score was calculated to assess if this variant is too frequent to cause the disease. Based on the score and internal cut-off values, a variant classified as likely benign is not then subjected to further curation. The score for this variant resulted in a classification of likely benign for this disease.

Breakthrough Genomics
Classification: Likely benign. Review status: criteria provided, single submitter. Criteria: ACMG Guidelines, 2015. Collection method: not provided. Allele origin: germline. Inheritance: Autosomal dominant inheritance. Affected: yes.

NM_031935.3(HMCN1):c.9546G>A (p.Thr3182=)

Gene: HMCN1 (hemicentin 1; plus strand). Cytogenetic location: 1q31.1.
Variant type: single nucleotide variant.
Coding change: c.9546G>A on transcript NM_031935.3 (MANE Select); coding-DNA position 9546, G replaced by A.
Protein change: p.Thr3182=; no amino-acid change (threonine 3182 retained).
Molecular consequence: synonymous variant.
Genome position (GRCh38, 1-based): chr1:186,088,245, G>A. VCF-style: chr1-186088245-G-A. GRCh37 (hg19) VCF-style: chr1-186057377-G-A.
Identifiers: ClinVar variation 294213 (VCV000294213.38), dbSNP rs140049629, ClinGen allele CA1293458.